The following is an entry in ClinVar:

NM_015909.4(NBAS):c.5329T>C (p.Cys1777Arg)

Gene: NBAS (NBAS subunit of NRZ tethering complex; minus strand). Cytogenetic location: 2p24.3.
Variant type: single nucleotide variant.
Coding change: c.5329T>C on transcript NM_015909.4 (MANE Select); coding-DNA position 5329, T replaced by C.
Protein change: p.Cys1777Arg; replaces cysteine 1777 with arginine.
Molecular consequence: missense variant. On other transcripts: non-coding transcript variant (1).
Genome position (GRCh38, 1-based): chr2:15,276,911, A>G on the plus strand (T>C on the coding strand, the complement: NBAS is on the minus strand). VCF-style: chr2-15276911-A-G. GRCh37 (hg19) VCF-style: chr2-15417035-A-G.
Other names: c.5329T>C (NM_015909.3); short protein forms C1777R.
Identifiers: ClinVar variation 1405788 (VCV001405788.7), dbSNP rs200601567, ClinGen allele CA1535324.
Genomic context (GRCh38, chr2:15,276,911, plus strand): 5'-CTGATGCAACAACCTTAAACTTCTTCAGCAGTCGAATGTGGGTTTCTGGTTTAATGGCAC[A>G]GTTCCCCAAATCTGCACAGCCACAGTTTTCCAGAAGAGTGAAATAATACTGCAGCCTTTC-3'
Protein context (NP_056993.2, residues 1767-1787): ENCGCADLGN[Cys1777Arg]AIKPETHIRL

ClinVar aggregate classification (germline): Conflicting classifications of pathogenicity. Review status: criteria provided, conflicting classifications (1 of 4 stars). 2 submissions from 2 submitters: Uncertain significance (1); Likely benign (1). Last evaluated 2025-12-24.

Allele frequency attached by ClinVar (database versions not stated): TOPMed 0.00037; gnomAD exomes 0.00004; gnomAD 0.00005 and 0.00034.
gnomAD v4.1: 165 of 1,613,978 alleles (0.01%); highest among the groups gnomAD compares: Non-Finnish European, 0.0097%; no homozygotes.

Submissions (2):

Labcorp Genetics (formerly Invitae), Labcorp
Classification: Likely benign. Last evaluated: 2025-12-24. Review status: criteria provided, single submitter. Criteria: Invitae Variant Classification Sherloc (09022015). Collection method: clinical testing. Allele origin: germline.

GeneDx
Classification: Uncertain significance. Last evaluated: 2024-11-11. Review status: criteria provided, single submitter. Criteria: GeneDx Variant Classification Process June 2021. Collection method: clinical testing. Allele origin: germline. Affected: yes.
Comment: In silico analysis indicates that this missense variant does not alter protein structure/function; Has not been previously published as pathogenic or benign to our knowledge